The following is an entry in ClinVar:

NM_017617.5(NOTCH1):c.2108G>A (p.Arg703His)

Gene: NOTCH1 (notch receptor 1; minus strand). Cytogenetic location: 9q34.3.
Variant type: single nucleotide variant.
Coding change: c.2108G>A on transcript NM_017617.5 (MANE Select); coding-DNA position 2108, G replaced by A.
Protein change: p.Arg703His; replaces arginine 703 with histidine.
Molecular consequence: missense variant.
Genome position (GRCh38, 1-based): chr9:136,514,609, C>T on the plus strand (G>A on the coding strand, the complement: NOTCH1 is on the minus strand). VCF-style: chr9-136514609-C-T. GRCh37 (hg19) VCF-style: chr9-139409061-C-T.
Other names: c.2108G>A, p.Arg703His (LRG_1122t1); c.2108G>A (NM_017617.4); short protein forms R703H.
Identifiers: ClinVar variation 134912 (VCV000134912.60), dbSNP rs561126575, ClinGen allele CA161151.

ClinVar aggregate classification (germline): Conflicting classifications of pathogenicity. Review status: criteria provided, conflicting classifications (1 of 4 stars). 7 submissions from 7 submitters: Uncertain significance (2); Likely benign (2). 3 of the submissions do not count toward it. Last evaluated 2025-12-01.

Conditions:
NOTCH1-related disorder. Also called: NOTCH1-related condition; NOTCH1-related disorders.
Adams-Oliver syndrome 5 (AOS5). Identifiers: Orphanet 974, MedGen C4014970, MONDO:0014459, OMIM 616028.
Familial thoracic aortic aneurysm and aortic dissection (TAAD). Also called: Thoracic aortic aneurysms and dissections. Identifiers: Orphanet 91387, MedGen C4707243, MONDO:0019625.

Allele frequency attached by ClinVar (database versions not stated): gnomAD 0.00004 and 0.00006; TOPMed 0.00006; gnomAD exomes 0.00012; 1000 Genomes Project 30x 0.00016; ExAC 0.00018; 1000 Genomes Project 0.00020.
gnomAD v4.1: 135 of 1,609,276 alleles (0.0084%); highest among the groups gnomAD compares: Middle Eastern, 0.12%; no homozygotes.

Submissions (7):

Labcorp Genetics (formerly Invitae), Labcorp
Classification: Likely benign for Adams-Oliver syndrome 5. Last evaluated: 2025-12-01. Review status: criteria provided, single submitter. Criteria: Invitae Variant Classification Sherloc (09022015). Collection method: clinical testing. Allele origin: germline.

GeneDx
Classification: Uncertain significance. Last evaluated: 2025-03-31. Review status: criteria provided, single submitter. Criteria: GeneDx Variant Classification Process June 2021. Collection method: clinical testing. Allele origin: germline. Affected: yes.
Comment: Has not been previously published as pathogenic or benign to our knowledge; In silico analysis indicates that this missense variant does not alter protein structure/function

Women's Health and Genetics/Laboratory Corporation of America, LabCorp
Classification: Likely benign. Last evaluated: 2024-05-21. Review status: criteria provided, single submitter. Criteria: LabCorp Variant Classification Summary - May 2015. Collection method: clinical testing. Allele origin: germline.
Comment: Variant summary: NOTCH1 c.2108G>A (p.Arg703His) results in a non-conservative amino acid change located in the EGF like domain (IPR000742) of the encoded protein sequence. Four of five in-silico tools predict a benign effect of the variant on protein function. The variant allele was found at a frequency of 0.00012 in 238950 control chromosomes. The observed variant frequency is approximately 190 fold of the estimated maximal expected allele frequency for a pathogenic variant in NOTCH1 causing Adams-Oliver Syndrome 5 phenotype (6.3e-07). To our knowledge, no occurrence of c.2108G>A in individuals affected with Adams-Oliver Syndrome 5 and no experimental evidence demonstrating its impact on protein function have been reported. ClinVar contains an entry for this variant (Variation ID: 134912). Based on the evidence outlined above, the variant was classified as likely benign.

Ambry Genetics
Classification: Uncertain significance for Familial thoracic aortic aneurysm and aortic dissection. Last evaluated: 2021-02-16. Review status: criteria provided, single submitter. Criteria: Ambry Variant Classification Scheme 2023. Collection method: clinical testing. Allele origin: germline.

PreventionGenetics, part of Exact Sciences
Classification: Uncertain significance for NOTCH1-related condition. Last evaluated: 2024-02-02. Review status: no assertion criteria provided. Collection method: clinical testing. Allele origin: germline. Not counted in ClinVar's aggregate classification.
Comment: The NOTCH1 c.2108G>A variant is predicted to result in the amino acid substitution p.Arg703His. To our knowledge, this variant has not been reported to be associated with disease in the literature. This variant is reported in 0.047% of alleles in individuals of South Asian descent in gnomAD. Although we suspect that this variant may be benign, at this time, the clinical significance of this variant is uncertain due to the absence of conclusive functional and genetic evidence.

ITMI
No classification provided. Condition: AllHighlyPenetrant. Last evaluated: 2013-09-19. Review status: no classification provided. Collection method: reference population. Allele origin: germline. Not counted in ClinVar's aggregate classification.
Comment: Please see associated publication for description of ethnicities

Department of Pathology and Laboratory Medicine, Sinai Health System
Classification: Uncertain significance. Review status: no assertion criteria provided. Collection method: clinical testing. Allele origin: unknown. Affected: yes. Study: The Canadian Open Genetics Repository (COGR). Not counted in ClinVar's aggregate classification.
Comment: The NOTCH1 p.Arg703His variant was not identified in the literature nor was it identified in the LOVD 3.0 database. The variant was identified in dbSNP (ID: rs561126575), ClinVar (classified as uncertain significance by Ambry Genetics and Invitae; associated conditions are Adams-Oliver syndrome 5 and cardiovascular phenotype), and in Cosmic (FATHMM prediction of Pathogenic; score 0.75). The variant was also identified in control databases in 28 of 238950 chromosomes at a frequency of 0.000117 (Genome Aggregation Database Feb 27, 2017). The variant was observed in the following populations: South Asian in 14 of 29858 chromosomes (freq: 0.000469), Other in 5 of 5754 chromosomes (freq: 0.000869), Latino in 1 of 33802 chromosomes (freq: 0.00003), European (non-Finnish) in 7 of 108000 chromosomes (freq: 0.000065), and African in 1 of 14228 chromosomes (freq: 0.00007), while the variant was not observed in the European (Finnish), East Asian, and Ashkenazi Jewish populations. The variant occurs outside of the splicing consensus sequence and in silico or computational prediction software programs (SpliceSiteFinder, MaxEntScan, NNSPLICE, GeneSplicer) do not predict a difference in splicing at the variant location. The p.Arg703 residue is not conserved in mammals and computational analyses (PolyPhen-2, SIFT, AlignGVGD, BLOSUM, MutationTaster) do not suggest a high likelihood of impact to the protein; however, this information is not predictive enough to rule out pathogenicity. In summary, based on the above information the clinical significance of this variant cannot be determined with certainty at this time. This variant is classified as a variant of uncertain significance.

Literature cited by the submitters: PubMed 24728327 (cited by ITMI).